The following is an entry in ClinVar:

ClinVar aggregate classification (germline): Likely benign. Review status: criteria provided, single submitter (1 of 4 stars). 2 submissions from 2 submitters: Likely benign (1). 1 of the submissions does not count toward it. Last evaluated 2025-11-25.

Conditions:
KMT2D-related disorder. Also called: KMT2D-Related Disorders.
Kabuki syndrome. Also called: Kabuki make-up syndrome; NIIKAWA-KUROKI SYNDROME. Identifiers: Orphanet 2322, MedGen C0796004, MONDO:0016512.

Allele frequency attached by ClinVar (database versions not stated): TOPMed 0.00005; 1000 Genomes Project 30x 0.00031; 1000 Genomes Project 0.00040; gnomAD exomes 0.00001; ExAC 0.00004; gnomAD 0.00007.
gnomAD v4.1: 27 of 1,611,880 alleles (0.0017%); highest among the groups gnomAD compares: African/African-American, 0.024%; no homozygotes.

Submissions (2):

Labcorp Genetics (formerly Invitae), Labcorp
Classification: Likely benign for Kabuki syndrome. Last evaluated: 2025-11-25. Review status: criteria provided, single submitter. Criteria: Invitae Variant Classification Sherloc (09022015). Collection method: clinical testing. Allele origin: germline.

PreventionGenetics, part of Exact Sciences
Classification: Likely benign for KMT2D-related condition. Last evaluated: 2021-02-10. Review status: no assertion criteria provided. Collection method: clinical testing. Allele origin: germline. Not counted in ClinVar's aggregate classification.
Comment: This variant is classified as likely benign based on ACMG/AMP sequence variant interpretation guidelines (Richards et al. 2015 PMID: 25741868, with internal and published modifications).

NM_003482.4(KMT2D):c.954+9A>G

Gene: KMT2D (lysine methyltransferase 2D; minus strand). Cytogenetic location: 12q13.12.
Variant type: single nucleotide variant.
Coding change: c.954+9A>G on transcript NM_003482.4 (MANE Select); 9 bases into the intron after coding-DNA position 954, A replaced by G.
Molecular consequence: intron variant.
Genome position (GRCh38, 1-based): chr12:49,053,198, T>C on the plus strand (A>G on the coding strand, the complement: KMT2D is on the minus strand). VCF-style: chr12-49053198-T-C. GRCh37 (hg19) VCF-style: chr12-49446981-T-C.
Other names: c.954+9A>G (NM_003482.3).
Identifiers: ClinVar variation 2103015 (VCV002103015.6), dbSNP rs201801082, ClinGen allele CA6548628.